The following is an entry in ClinVar:

NM_001382.4(DPAGT1):c.484C>A (p.His162Asn)

Gene: DPAGT1 (dolichyl-phosphate N-acetylglucosaminephosphotransferase 1; minus strand). Cytogenetic location: 11q23.3.
Variant type: single nucleotide variant.
Coding change: c.484C>A on transcript NM_001382.4 (MANE Select); coding-DNA position 484, C replaced by A.
Protein change: p.His162Asn; replaces histidine 162 with asparagine.
Molecular consequence: missense variant.
Genome position (GRCh38, 1-based): chr11:119,100,642, G>T on the plus strand (C>A on the coding strand, the complement: DPAGT1 is on the minus strand). VCF-style: chr11-119100642-G-T. GRCh37 (hg19) VCF-style: chr11-118971352-G-T.
Other names: short protein forms H162N.
Identifiers: ClinVar variation 836721 (VCV000836721.6), dbSNP rs542516384, ClinGen allele CA6314628.

ClinVar aggregate classification (germline): Uncertain significance. Review status: criteria provided, multiple submitters, no conflicts (2 of 4 stars). 2 submissions from 2 submitters: Uncertain significance (2). Last evaluated 2025-02-08.

Conditions:
Inborn genetic diseases. Identifiers: MedGen C0950123, MeSH D030342.
Congenital myasthenic syndrome 13 (CMS13). Also called: Myasthenic syndrome, congenital, 13, with tubular aggregates; Myasthenic syndrome, congenital, with tubular aggregates 2. Identifiers: Orphanet 353327, Orphanet 590, MedGen C3553645, MONDO:0013883, OMIM 614750.
DPAGT1-congenital disorder of glycosylation. Also called: CONGENITAL DISORDER OF GLYCOSYLATION, TYPE Ij; CDG Ij; DPAGT1-CDG. Identifiers: Orphanet 86309, MedGen C2931004, MONDO:0011964, OMIM 608093.

Allele frequency attached by ClinVar (database versions not stated): TOPMed 0.00003; gnomAD exomes 0.00004 and 0.00005; ExAC 0.00005; gnomAD 0.00007.
gnomAD v4.1: 78 of 1,614,000 alleles (0.0048%); highest among the groups gnomAD compares: Non-Finnish European, 0.0062%; no homozygotes.

Submissions (2):

Ambry Genetics
Classification: Uncertain significance for Inborn genetic diseases. Last evaluated: 2025-02-08. Review status: criteria provided, single submitter. Criteria: Ambry Variant Classification Scheme 2023. Collection method: clinical testing. Allele origin: germline.

Labcorp Genetics (formerly Invitae), Labcorp
Classification: Uncertain significance for Congenital myasthenic syndrome 13; DPAGT1-congenital disorder of glycosylation. Last evaluated: 2022-10-21. Review status: criteria provided, single submitter. Criteria: Invitae Variant Classification Sherloc (09022015). Collection method: clinical testing. Allele origin: germline.
Comment: This sequence change replaces histidine, which is basic and polar, with asparagine, which is neutral and polar, at codon 162 of the DPAGT1 protein (p.His162Asn). This variant is present in population databases (rs542516384, gnomAD 0.01%). This variant has not been reported in the literature in individuals affected with DPAGT1-related conditions. ClinVar contains an entry for this variant (Variation ID: 836721). Advanced modeling of protein sequence and biophysical properties (such as structural, functional, and spatial information, amino acid conservation, physicochemical variation, residue mobility, and thermodynamic stability) performed at Invitae indicates that this missense variant is not expected to disrupt DPAGT1 protein function. In summary, the available evidence is currently insufficient to determine the role of this variant in disease. Therefore, it has been classified as a Variant of Uncertain Significance.